The following is an entry in ClinVar:

NM_003737.4(DCHS1):c.5972G>A (p.Arg1991His)

Gene: DCHS1 (dachsous cadherin-related 1; minus strand). Cytogenetic location: 11p15.4.
Variant type: single nucleotide variant.
Coding change: c.5972G>A on transcript NM_003737.4 (MANE Select); coding-DNA position 5972, G replaced by A.
Protein change: p.Arg1991His; replaces arginine 1991 with histidine.
Molecular consequence: missense variant.
Genome position (GRCh38, 1-based): chr11:6,627,067, C>T on the plus strand (G>A on the coding strand, the complement: DCHS1 is on the minus strand). VCF-style: chr11-6627067-C-T. GRCh37 (hg19) VCF-style: chr11-6648298-C-T.
Other names: c.5972G>A (NM_003737.2); short protein forms R1991H.
Identifiers: ClinVar variation 977877 (VCV000977877.39), dbSNP rs145725245, ClinGen allele CA5859978.

ClinVar aggregate classification (germline): Conflicting classifications of pathogenicity. Review status: criteria provided, conflicting classifications (1 of 4 stars). 7 submissions from 7 submitters: Uncertain significance (2); Likely benign (2). 3 of the submissions do not count toward it. Last evaluated 2026-09-01.

Conditions:
Inborn genetic diseases. Identifiers: MedGen C0950123, MeSH D030342.
Van Maldergem syndrome 1 (VMLDS1). Also called: Van Maldergem syndrome 1 (VMLDS1). Identifiers: Orphanet 314679, MedGen C4551950, MONDO:0011070, OMIM 601390.

Allele frequency attached by ClinVar (database versions not stated): TOPMed 0.00032; ESP Exome Variant Server 0.00038; gnomAD 0.00047.
gnomAD v4.1: 722 of 1,613,380 alleles (0.045%); highest among the groups gnomAD compares: Non-Finnish European, 0.057%; 1 homozygote.

Submissions (7):

CeGaT Center for Human Genetics Tuebingen
Classification: Likely benign. Last evaluated: 2026-09-01. Review status: criteria provided, single submitter. Criteria: CeGaT Center For Human Genetics Tuebingen Variant Classification Criteria Version 2. Collection method: clinical testing. Allele origin: germline. Affected: yes. Observed: 9 variant alleles.
Comment: DCHS1: BS1

Labcorp Genetics (formerly Invitae), Labcorp
Classification: Likely benign. Last evaluated: 2026-01-26. Review status: criteria provided, single submitter. Criteria: Invitae Variant Classification Sherloc (09022015). Collection method: clinical testing. Allele origin: germline.

Blueprint Genetics
Classification: Uncertain significance. Last evaluated: 2024-11-23. Review status: criteria provided, single submitter. Criteria: ACMG Guidelines, 2015. Collection method: clinical testing. Allele origin: germline.

Ambry Genetics
Classification: Uncertain significance for Inborn genetic diseases. Last evaluated: 2022-11-14. Review status: criteria provided, single submitter. Criteria: Ambry Variant Classification Scheme 2023. Collection method: clinical testing. Allele origin: germline.
Comment: The c.5972G>A (p.R1991H) alteration is located in exon 14 (coding exon 13) of the DCHS1 gene. This alteration results from a G to A substitution at nucleotide position 5972, causing the arginine (R) at amino acid position 1991 to be replaced by a histidine (H). The p.R1991H alteration is predicted to be tolerated by in silico analysis. Based on insufficient or conflicting evidence, the clinical significance of this alteration remains unclear.

Clinical Genetics DNA and cytogenetics Diagnostics Lab, Erasmus MC, Erasmus Medical Center
Classification: Uncertain significance. Review status: no assertion criteria provided. Collection method: clinical testing. Allele origin: germline. Affected: yes. Study: VKGL Data-share Consensus. Not counted in ClinVar's aggregate classification.

Diagnostic Laboratory, Department of Genetics, University Medical Center Groningen
Classification: Uncertain significance. Review status: no assertion criteria provided. Collection method: clinical testing. Allele origin: germline. Affected: yes. Study: VKGL Data-share Consensus. Not counted in ClinVar's aggregate classification.

Service de Génétique Moléculaire, Hôpital Robert Debré
Classification: Likely benign for Van Maldergem syndrome 1. Review status: no assertion criteria provided. Collection method: clinical testing. Allele origin: unknown. Affected: yes. Not counted in ClinVar's aggregate classification.